The following is an entry in ClinVar:

NM_001873.4(CPE):c.809G>C (p.Ser270Thr)

Gene: CPE (carboxypeptidase E; plus strand). Cytogenetic location: 4q32.3.
Variant type: single nucleotide variant.
Coding change: c.809G>C on transcript NM_001873.4 (MANE Select); coding-DNA position 809, G replaced by C.
Protein change: p.Ser270Thr; replaces serine 270 with threonine.
Molecular consequence: missense variant.
Genome position (GRCh38, 1-based): chr4:165,484,440, G>C. VCF-style: chr4-165484440-G-C. GRCh37 (hg19) VCF-style: chr4-166405592-G-C.
Other names: c.809G>C (NM_001873.3); short protein forms S270T.
Identifiers: ClinVar variation 1435885 (VCV001435885.7), dbSNP rs145229675, ClinGen allele CA3130292.

ClinVar aggregate classification (germline): Uncertain significance. Review status: criteria provided, single submitter (1 of 4 stars). 2 submissions from 2 submitters: Uncertain significance (1). 1 of the submissions does not count toward it. Last evaluated 2022-11-22.

Conditions:
CPE-related disorder. Also called: CPE-related condition.

Allele frequency attached by ClinVar (database versions not stated): gnomAD 0.00003; TOPMed 0.00004; ESP Exome Variant Server 0.00015; 1000 Genomes Project 30x 0.00016.
gnomAD v4.1: 27 of 1,613,890 alleles (0.0017%); highest among the groups gnomAD compares: Non-Finnish European, 0.0022%; no homozygotes.

Submissions (2):

Labcorp Genetics (formerly Invitae), Labcorp
Classification: Uncertain significance. Last evaluated: 2022-11-22. Review status: criteria provided, single submitter. Criteria: Invitae Variant Classification Sherloc (09022015). Collection method: clinical testing. Allele origin: germline.
Comment: In summary, the available evidence is currently insufficient to determine the role of this variant in disease. Therefore, it has been classified as a Variant of Uncertain Significance. Algorithms developed to predict the effect of missense changes on protein structure and function are either unavailable or do not agree on the potential impact of this missense change (SIFT: "Not Available"; PolyPhen-2: "Probably Damaging"; Align-GVGD: "Not Available"). ClinVar contains an entry for this variant (Variation ID: 1435885). This variant has not been reported in the literature in individuals affected with CPE-related conditions. This variant is present in population databases (rs145229675, gnomAD 0.004%). This sequence change replaces serine, which is neutral and polar, with threonine, which is neutral and polar, at codon 270 of the CPE protein (p.Ser270Thr).

PreventionGenetics, part of Exact Sciences
Classification: Uncertain significance for CPE-related condition. Last evaluated: 2024-05-09. Review status: no assertion criteria provided. Collection method: clinical testing. Allele origin: germline. Not counted in ClinVar's aggregate classification.
Comment: The CPE c.809G>C variant is predicted to result in the amino acid substitution p.Ser270Thr. To our knowledge, this variant has not been reported in the literature. This variant is reported in 0.012% of alleles in individuals of African descent in gnomAD. At this time, the clinical significance of this variant is uncertain due to the absence of conclusive functional and genetic evidence.